The following is an entry in ClinVar:

ClinVar aggregate classification (germline): Uncertain significance. Review status: criteria provided, multiple submitters, no conflicts (2 of 4 stars). 4 submissions from 4 submitters: Uncertain significance (4). Last evaluated 2025-12-03.

Conditions:
Hereditary cancer-predisposing syndrome. Also called: Hereditary Cancer Syndrome; Neoplastic Syndromes, Hereditary; Tumor predisposition; Hereditary neoplastic syndrome. Identifiers: Orphanet 140162, MedGen C0027672, MeSH D009386, MONDO:0015356.
Familial cancer of breast. Also called: hereditary breast carcinoma; Hereditary breast cancer; BREAST CANCER, FAMILIAL. Identifiers: Orphanet 227535, MedGen C0346153, MONDO:0016419, OMIM 114480. Disease mechanism: loss of function.
Fanconi anemia complementation group J. Also called: BRIP1-Related Fanconi Anemia. Identifiers: Orphanet 84, MedGen C1836860, MONDO:0012187, OMIM 609054.

Allele frequency attached by ClinVar (database versions not stated): gnomAD exomes 0.00001; TOPMed below 0.00001.
gnomAD v4.1: 3 of 1,613,846 alleles (0.00019%); highest among the groups gnomAD compares: Non-Finnish European, 0.00025%; no homozygotes.

Submissions (4):

Dasa
Classification: Uncertain significance. Last evaluated: 2025-12-03. Review status: criteria provided, single submitter. Criteria: DASA Assertion Criteria. Collection method: clinical testing. Allele origin: germline.
Comment: NM_032043.3(BRIP1):c.2191G>A (p.Glu731Lys) is a missense variant that results in the substitution of glutamic acid with lysine. This variant is rare in population databases. The currently available literature and clinical evidence are not sufficient to establish a definitive association between this variant and the reported condition. Therefore, this variant is classified as a variant of uncertain significance.

Labcorp Genetics (formerly Invitae), Labcorp
Classification: Uncertain significance for Familial cancer of breast; Fanconi anemia complementation group J. Last evaluated: 2025-09-24. Review status: criteria provided, single submitter. Criteria: Invitae Variant Classification Sherloc (09022015). Collection method: clinical testing. Allele origin: germline.
Comment: This sequence change replaces glutamic acid, which is acidic and polar, with lysine, which is basic and polar, at codon 731 of the BRIP1 protein (p.Glu731Lys). This variant is not present in population databases (gnomAD no frequency). This variant has not been reported in the literature in individuals affected with BRIP1-related conditions. ClinVar contains an entry for this variant (Variation ID: 820839). Invitae Evidence Modeling of protein sequence and biophysical properties (such as structural, functional, and spatial information, amino acid conservation, physicochemical variation, residue mobility, and thermodynamic stability) indicates that this missense variant is not expected to disrupt BRIP1 protein function with a negative predictive value of 95%. In summary, the available evidence is currently insufficient to determine the role of this variant in disease. Therefore, it has been classified as a Variant of Uncertain Significance.

Color Diagnostics, LLC DBA Color Health
Classification: Uncertain significance for Hereditary cancer-predisposing syndrome. Last evaluated: 2024-03-06. Review status: criteria provided, single submitter. Criteria: ACMG Guidelines, 2015. Collection method: clinical testing. Allele origin: germline.
Comment: This missense variant replaces glutamic acid with lysine at codon 731 of the BRIP1 protein. Computational prediction suggests that this variant may not impact protein structure and function (internally defined REVEL score threshold <= 0.5, PMID: 27666373). To our knowledge, functional studies have not been reported for this variant. This variant has not been reported in individuals affected with hereditary cancer in the literature. This variant has not been identified in the general population by the Genome Aggregation Database (gnomAD). The available evidence is insufficient to determine the role of this variant in disease conclusively. Therefore, this variant is classified as a Variant of Uncertain Significance.

Ambry Genetics
Classification: Uncertain significance for Hereditary cancer-predisposing syndrome. Last evaluated: 2024-01-19. Review status: criteria provided, single submitter. Criteria: Ambry Variant Classification Scheme 2023. Collection method: clinical testing. Allele origin: germline.
Comment: The p.E731K variant (also known as c.2191G>A), located in coding exon 14 of the BRIP1 gene, results from a G to A substitution at nucleotide position 2191. The glutamic acid at codon 731 is replaced by lysine, an amino acid with similar properties. This amino acid position is not well conserved in available vertebrate species. In addition, this alteration is predicted to be tolerated by in silico analysis. Since supporting evidence is limited at this time, the clinical significance of this alteration remains unclear.

NM_032043.3(BRIP1):c.2191G>A (p.Glu731Lys)

Gene: BRIP1 (BRCA1 interacting DNA helicase 1; minus strand). Cytogenetic location: 17q23.2.
Variant type: single nucleotide variant.
Coding change: c.2191G>A on transcript NM_032043.3 (MANE Select); coding-DNA position 2191, G replaced by A.
Protein change: p.Glu731Lys; replaces glutamic acid 731 with lysine.
Molecular consequence: missense variant.
Genome position (GRCh38, 1-based): chr17:61,744,498, C>T on the plus strand (G>A on the coding strand, the complement: BRIP1 is on the minus strand). VCF-style: chr17-61744498-C-T. GRCh37 (hg19) VCF-style: chr17-59821859-C-T.
Other names: short protein forms E731K.
Identifiers: ClinVar variation 820839 (VCV000820839.17), dbSNP rs1603304544, ClinGen allele CA400483046.